The following is an entry in ClinVar:

ClinVar aggregate classification (germline): Likely pathogenic (1 of 4 stars; one submission).

Conditions:
Retinal disorder. Also called: Retinopathy; Retinopathies; Retinal Diseases; Retinal disorders. Identifiers: MedGen C0035309, MONDO:0005283, HP:0000488.

Submission:

North West Genomic Laboratory Hub, Manchester University NHS Foundation Trust
Classification: Likely pathogenic for Retinal disorders. Last evaluated: 2025-01-24. Review status: criteria provided, single submitter. Criteria: ACGS Best Practice Guidelines for Variant Classification in Rare Disease 2024. Collection method: clinical testing. Allele origin: germline. Affected: yes.
Comment: PM2_Mod PP4_Supp PVS1_Str PM3_Supp

NM_207391.3(RGS9BP):c.341_359dup (p.Ser121fs)

Gene: RGS9BP (regulator of G protein signaling 9 binding protein; plus strand). Cytogenetic location: 19q13.11.
Variant type: Duplication.
Coding change: c.341_359dup on transcript NM_207391.3 (MANE Select); coding-DNA positions 341 to 359, 19 bases duplicated (GCACAGGTGTGGCTGGCGC).
Protein change: p.Ser121fs; shifts the reading frame from serine 121.
Molecular consequence: frameshift variant.
Genome position (GRCh38, 1-based): chr19:32,676,604-32,676,622, GCACAGGTGTGGCTGGCGC duplicated; duplicating any 19 consecutive bases within chr19:32,676,602-32,676,622 gives the same sequence; the c. name uses the placement nearest the transcript's 3' end. VCF-style (leftmost placement, unchanged base first): chr19-32676601-T-TGCGCACAGGTGTGGCTGGC. GRCh37 (hg19) VCF-style: chr19-33167507-T-TGCGCACAGGTGTGGCTGGC.
Other names: short protein forms S121fs.
Identifiers: ClinVar variation 4887993 (VCV004887993.1).